The following is an entry in ClinVar:

ClinVar aggregate classification (germline): Pathogenic/Likely pathogenic. Review status: criteria provided, multiple submitters, no conflicts (2 of 4 stars). 4 submissions from 4 submitters: Pathogenic (1); Likely pathogenic (3). Last evaluated 2024-12-07.

Conditions:
Bardet-Biedl syndrome (BBS). Identifiers: Orphanet 110, MedGen C0752166, MONDO:0015229.
Bardet-Biedl syndrome 2 (BBS2). Identifiers: Orphanet 110, MedGen C2936863, MONDO:0014432, OMIM 615981.

Submissions (4):

Natera, Inc.
Classification: Likely pathogenic for Bardet-Biedl syndrome type 2. Last evaluated: 2024-12-07. Review status: criteria provided, single submitter. Criteria: Natera Variant Classification Schema (03/2026). Collection method: clinical testing. Allele origin: germline.
Comment: The c.1762_1765del variant in BBS2 is a frameshift variant predicted to shift the reading frame beginning at codon 588 and leads to a stop codon 9 codons downstream. This variant is expected to result in nonsense mediated decay, truncation, or a dysfunctional protein product. This variant is rare in the general population with a frequency below the threshold expected for the associated phenotype(s). Given the available evidence, this variant is classified as Likely Pathogenic.

Labcorp Genetics (formerly Invitae), Labcorp
Classification: Pathogenic for Bardet-Biedl syndrome. Last evaluated: 2023-12-30. Review status: criteria provided, single submitter. Criteria: Invitae Variant Classification Sherloc (09022015). Collection method: clinical testing. Allele origin: germline.
Comment: This sequence change creates a premature translational stop signal (p.Val588Ilefs*9) in the BBS2 gene. It is expected to result in an absent or disrupted protein product. Loss-of-function variants in BBS2 are known to be pathogenic (PMID: 11285252, 20177705, 24608809, 26518167). This variant is not present in population databases (gnomAD no frequency). This variant has not been reported in the literature in individuals affected with BBS2-related conditions. ClinVar contains an entry for this variant (Variation ID: 1339335). For these reasons, this variant has been classified as Pathogenic.

Baylor Genetics
Classification: Likely pathogenic for Bardet-Biedl syndrome 2. Last evaluated: 2023-06-02. Review status: criteria provided, single submitter. Criteria: ACMG Guidelines, 2015. Collection method: clinical testing. Allele origin: unknown.

Molecular Endocrinology Laboratory, Christian Medical College
Classification: Likely pathogenic for Bardet-Biedl syndrome 2. Review status: criteria provided, single submitter. Criteria: ACMG Guidelines, 2015. Collection method: clinical testing. Allele origin: germline. Affected: yes.

Literature cited by the submitters: PubMed 11285252 (cited by Labcorp Genetics (formerly Invitae), Labcorp); PubMed 20177705 (cited by Labcorp Genetics (formerly Invitae), Labcorp); PubMed 24608809 (cited by Labcorp Genetics (formerly Invitae), Labcorp); PubMed 26518167 (cited by Labcorp Genetics (formerly Invitae), Labcorp).

NM_031885.5(BBS2):c.1762_1765del (p.Val588fs)

Gene: BBS2 (Bardet-Biedl syndrome 2; minus strand). Cytogenetic location: 16q13.
Variant type: Deletion.
Coding change: c.1762_1765del on transcript NM_031885.5 (MANE Select); coding-DNA positions 1762 to 1765, 4 bases deleted (GTCT; older notation c.1762_1765delGTCT).
Protein change: p.Val588fs; shifts the reading frame from valine 588.
Molecular consequence: frameshift variant. On other transcripts: non-coding transcript variant (5).
Genome position (GRCh38, 1-based): chr16:56,497,775-56,497,778, AGAC deleted on the plus strand (GTCT on the coding strand, the reverse complement: BBS2 is on the minus strand); deleting any 4 consecutive bases within chr16:56,497,775-56,497,780 gives the same sequence; the c. name uses the placement nearest the transcript's 3' end. VCF-style (leftmost placement, unchanged base first): chr16-56497774-TAGAC-T. GRCh37 (hg19) VCF-style: chr16-56531686-TAGAC-T.
Other names: c.1762_1765del, p.Val588fs (NM_001377456.1); c.1762_1765del (NM_031885.3); short protein forms V588fs.
Identifiers: ClinVar variation 1339335 (VCV001339335.9), dbSNP rs1964155109, ClinGen allele CA977623445.